The following is an entry in ClinVar:

NM_023110.3(FGFR1):c.797C>T (p.Thr266Ile)

Gene: FGFR1 (fibroblast growth factor receptor 1; minus strand). Cytogenetic location: 8p11.23.
Variant type: single nucleotide variant.
Coding change: c.797C>T on transcript NM_023110.3 (MANE Select); coding-DNA position 797, C replaced by T.
Protein change: p.Thr266Ile; replaces threonine 266 with isoleucine.
Molecular consequence: missense variant.
Genome position (GRCh38, 1-based): chr8:38,424,648, G>A on the plus strand (C>T on the coding strand, the complement: FGFR1 is on the minus strand). VCF-style: chr8-38424648-G-A. GRCh37 (hg19) VCF-style: chr8-38282166-G-A.
Other names: c.797C>T, p.Thr266Ile (NM_000604.2, NM_001174063.2); c.773C>T, p.Thr258Ile (NM_001174064.2); c.791C>T, p.Thr264Ile (NM_001174065.2, NM_001354367.2, NM_001354369.2 and 2 more transcripts); c.530C>T, p.Thr177Ile (NM_001174066.2, NM_023105.3); c.890C>T, p.Thr297Ile (NM_001174067.2); c.524C>T, p.Thr175Ile (NM_001354368.2, NM_001354370.2, NM_023106.3); short protein forms T175I, T177I, T258I, T264I, T266I, T297I.
Identifiers: ClinVar variation 2505420 (VCV002505420.2), dbSNP rs2537101266, ClinGen allele CA370735080.

ClinVar aggregate classification (germline): Conflicting classifications of pathogenicity. Review status: criteria provided, conflicting classifications (1 of 4 stars). 2 submissions from 2 submitters: Likely pathogenic (1); Uncertain significance (1). Last evaluated 2025-10-31.

Conditions:
Hypogonadotropic hypogonadism 2 with or without anosmia (HH2). Also called: HYPOGONADOTROPIC HYPOGONADISM 2 WITHOUT ANOSMIA; HYPOGONADOTROPIC HYPOGONADISM 2 WITH OR WITHOUT ANOSMIA, SUSCEPTIBILITY TO; HYPOGONADOTROPIC HYPOGONADISM 2 WITHOUT ANOSMIA, SUSCEPTIBILITY TO; FGFR1-Related GnRH Deficiency (Kallmann Syndrome 2). Identifiers: Orphanet 478, MedGen C1563720, MONDO:0007844, OMIM 147950. Disease mechanism: loss of function.
FGFR1-related disorder. Also called: FGFR1-related disorders; FGFR1-related condition. Identifiers: MedGen CN380097.

Submissions (2):

PreventionGenetics, part of Exact Sciences
Classification: Uncertain significance for FGFR1-related condition. Last evaluated: 2025-10-31. Review status: criteria provided, single submitter. Criteria: ACMG Guidelines, 2015. Collection method: clinical testing. Allele origin: germline.
Comment: The FGFR1 c.797C>T variant is predicted to result in the amino acid substitution p.Thr266Ile. This variant has been reported in an individual with hypogonadotropic hypogonadism but no family or functional studies were performed to help access its pathogenicity (Table S2, Xu et al. 2023. PubMed ID: 37805574). This variant has not been reported in a large population database (gnomAD), indicating this variant is rare. At this time, the clinical significance of this variant is uncertain due to the absence of conclusive functional and genetic evidence.

Reproductive Endocrine Unit, Massachusetts General Hospital
Classification: Likely pathogenic for Hypogonadotropic hypogonadism 2 with or without anosmia. Last evaluated: 2023-05-04. Review status: criteria provided, single submitter. Criteria: ACMG Guidelines, 2015. Collection method: research. Allele origin: de novo. Affected: yes. Observed: 1 variant allele.